The following is an entry in ClinVar:

NM_014795.4(ZEB2):c.575A>G (p.Asn192Ser)

Genes: ZEB2 (zinc finger E-box binding homeobox 2; minus strand), LOC111721705 (skeletal muscle cis-regulatory module overlapping ZEB2; plus strand). Cytogenetic location: 2q22.3.
Variant type: single nucleotide variant.
Coding change: c.575A>G on transcript NM_014795.4 (MANE Select); coding-DNA position 575, A replaced by G.
Protein change: p.Asn192Ser; replaces asparagine 192 with serine.
Molecular consequence: missense variant.
Genome position (GRCh38, 1-based): chr2:144,404,853, T>C on the plus strand (A>G on the coding strand, the complement: ZEB2 is on the minus strand). VCF-style: chr2-144404853-T-C. GRCh37 (hg19) VCF-style: chr2-145162420-T-C.
Other names: c.503A>G, p.Asn168Ser (NM_001171653.2); short protein forms N192S, N168S.
Identifiers: ClinVar variation 580089 (VCV000580089.10), dbSNP rs779549076, ClinGen allele CA1898455.

ClinVar aggregate classification (germline): Conflicting classifications of pathogenicity. Review status: criteria provided, conflicting classifications (1 of 4 stars). 2 submissions from 2 submitters: Uncertain significance (1); Likely benign (1). Last evaluated 2023-11-20.

Conditions:
Inborn genetic diseases. Identifiers: MedGen C0950123, MeSH D030342.
Mowat-Wilson syndrome (MOWS). Also called: Classic Mowat-Wilson Syndrome. Identifiers: Orphanet 2152, MedGen C1856113, MONDO:0009341, OMIM 235730.

Allele frequency attached by ClinVar (database versions not stated): ExAC 0.00002; gnomAD exomes 0.00002; gnomAD 0.00003 and 0.00004; TOPMed 0.00003.
gnomAD v4.1: 26 of 1,613,996 alleles (0.0016%); highest among the groups gnomAD compares: East Asian, 0.0045%; no homozygotes.

Submissions (2):

Labcorp Genetics (formerly Invitae), Labcorp
Classification: Uncertain significance for Mowat-Wilson syndrome. Last evaluated: 2023-11-20. Review status: criteria provided, single submitter. Criteria: Invitae Variant Classification Sherloc (09022015). Collection method: clinical testing. Allele origin: germline.
Comment: This sequence change replaces asparagine, which is neutral and polar, with serine, which is neutral and polar, at codon 192 of the ZEB2 protein (p.Asn192Ser). This variant is present in population databases (rs779549076, gnomAD 0.03%). This variant has not been reported in the literature in individuals affected with ZEB2-related conditions. ClinVar contains an entry for this variant (Variation ID: 580089). Advanced modeling performed at Invitae incorporating data from internal and/or published experimental studies (Invitae) indicates that this missense variant is not expected to disrupt ZEB2 function with a negative predictive value of 95%. In summary, the available evidence is currently insufficient to determine the role of this variant in disease. Therefore, it has been classified as a Variant of Uncertain Significance.

Ambry Genetics
Classification: Likely benign for Inborn genetic diseases. Last evaluated: 2023-03-29. Review status: criteria provided, single submitter. Criteria: Ambry Variant Classification Scheme 2023. Collection method: clinical testing. Allele origin: germline.